The following is an entry in ClinVar:

ClinVar aggregate classification (germline): Uncertain significance (1 of 4 stars; one submission).

Submission:

GeneDx
Classification: Uncertain significance. Last evaluated: 2023-04-18. Review status: criteria provided, single submitter. Criteria: GeneDx Variant Classification Process June 2021. Collection method: clinical testing. Allele origin: germline. Affected: yes.
Comment: Not observed at significant frequency in large population cohorts (gnomAD); In silico analysis supports that this missense variant does not alter protein structure/function; Has not been previously published as pathogenic or benign to our knowledge

NM_001348323.3(TRIP12):c.2853T>A (p.Asp951Glu)

Gene: TRIP12 (thyroid hormone receptor interactor 12; minus strand). Cytogenetic location: 2q36.3.
Variant type: single nucleotide variant.
Coding change: c.2853T>A on transcript NM_001348323.3 (MANE Select); coding-DNA position 2853, T replaced by A.
Protein change: p.Asp951Glu; replaces aspartic acid 951 with glutamic acid.
Molecular consequence: missense variant.
Genome position (GRCh38, 1-based): chr2:229,804,025, A>T on the plus strand (T>A on the coding strand, the complement: TRIP12 is on the minus strand). VCF-style: chr2-229804025-A-T. GRCh37 (hg19) VCF-style: chr2-230668741-A-T.
Other names: c.2772T>A, p.Asp924Glu (NM_001284214.2, NM_001348315.2); c.2727T>A, p.Asp909Glu (NM_001284215.2, NM_001348316.2, NM_001348317.1 and 1 more transcripts); c.1818T>A, p.Asp606Glu (NM_001284216.2); c.2853T>A, p.Asp951Glu (NM_001348319.1, NM_001348320.2, NM_001348322.1 and 4 more transcripts); c.2856T>A, p.Asp952Glu (NM_001348321.1, NM_001348328.1, NM_001348329.2 and 1 more transcripts); c.2646T>A, p.Asp882Glu (NM_001348331.1); c.2766T>A, p.Asp922Glu (NM_001348332.1); c.2775T>A, p.Asp925Glu (NM_001348333.1); and 1 more; short protein forms D606E, D876E, D882E, D909E, D922E, D924E, D925E, D951E.
Identifiers: ClinVar variation 2663385 (VCV002663385.1), dbSNP rs2471969971, ClinGen allele CA350912155.